The following is an entry in ClinVar:

ClinVar aggregate classification (germline): Likely pathogenic (1 of 4 stars; one submission).

Conditions:
BRWD3-related disorder. Also called: BRWD3-related condition.

Submission:

PreventionGenetics, part of Exact Sciences
Classification: Likely pathogenic for BRWD3-related condition. Last evaluated: 2022-11-28. Review status: criteria provided, single submitter. Criteria: ACMG Guidelines, 2015. Collection method: clinical testing. Allele origin: germline.
Comment: The BRWD3 c.4273_4274delAG variant is predicted to result in a frameshift and premature protein termination (p.His1426Tyrfs*7). To our knowledge, this variant has not been reported in the literature or in a large population database, indicating this variant is rare. Frameshift variants in BRWD3 are expected to be pathogenic. This variant is interpreted as likely pathogenic.

NM_153252.5(BRWD3):c.4273_4274del (p.His1426fs)

Gene: BRWD3 (bromodomain and WD repeat domain containing 3; minus strand). Cytogenetic location: Xq21.1.
Variant type: Deletion.
Coding change: c.4273_4274del on transcript NM_153252.5 (MANE Select); coding-DNA positions 4273 to 4274, 2 bases deleted (AG; older notation c.4273_4274delAG).
Protein change: p.His1426fs; shifts the reading frame from histidine 1426.
Molecular consequence: frameshift variant.
Genome position (GRCh38, 1-based): chrX:80,682,588-80,682,589, CT deleted on the plus strand (AG on the coding strand, the reverse complement: BRWD3 is on the minus strand). VCF-style (leftmost placement, unchanged base first): chrX-80682587-ACT-A. GRCh37 (hg19) VCF-style: chrX-79938086-ACT-A.
Other names: short protein forms H1426fs.
Identifiers: ClinVar variation 2635582 (VCV002635582.1), dbSNP rs2520212243, ClinGen allele CA2695197163.